The following is an entry in ClinVar:

ClinVar aggregate classification (germline): Uncertain significance (0 of 4 stars; one submission).

Conditions:
AXL-related disorder. Also called: AXL-related condition.

Allele frequency attached by ClinVar (database versions not stated): ExAC 0.00001; gnomAD exomes 0.00001; TOPMed 0.00001.
gnomAD v4.1: 9 of 1,614,186 alleles (0.00056%); highest among the groups gnomAD compares: Non-Finnish European, 0.00068%; no homozygotes.

Submission:

PreventionGenetics, part of Exact Sciences
Classification: Uncertain significance for AXL-related condition. Last evaluated: 2024-06-20. Review status: no assertion criteria provided. Collection method: clinical testing. Allele origin: germline.
Comment: The AXL c.1424G>A variant is predicted to result in the amino acid substitution p.Arg475Gln. To our knowledge, this variant has not been reported in the literature. This variant is reported in 0.00088% of alleles in individuals of European (Non-Finnish) descent in gnomAD. At this time, the clinical significance of this variant is uncertain due to the absence of conclusive functional and genetic evidence.

NM_021913.5(AXL):c.1424G>A (p.Arg475Gln)

Gene: AXL (AXL receptor tyrosine kinase; plus strand). Cytogenetic location: 19q13.2.
Variant type: single nucleotide variant.
Coding change: c.1424G>A on transcript NM_021913.5 (MANE Select); coding-DNA position 1424, G replaced by A.
Protein change: p.Arg475Gln; replaces arginine 475 with glutamine.
Molecular consequence: missense variant.
Genome position (GRCh38, 1-based): chr19:41,242,994, G>A. VCF-style: chr19-41242994-G-A. GRCh37 (hg19) VCF-style: chr19-41748899-G-A.
Other names: c.620G>A, p.Arg207Gln (NM_001278599.2); c.1397G>A, p.Arg466Gln (NM_001699.6); short protein forms R207Q, R466Q, R475Q.
Identifiers: ClinVar variation 2629662 (VCV002629662.2), dbSNP rs750167315, ClinGen allele CA9458304.